The following is an entry in ClinVar:

NM_001009944.3(PKD1):c.6683A>G (p.Tyr2228Cys)

Gene: PKD1 (polycystin 1, transient receptor potential channel interacting; minus strand). Cytogenetic location: 16p13.3.
Variant type: single nucleotide variant.
Coding change: c.6683A>G on transcript NM_001009944.3 (MANE Select); coding-DNA position 6683, A replaced by G.
Protein change: p.Tyr2228Cys; replaces tyrosine 2228 with cysteine.
Molecular consequence: missense variant.
Genome position (GRCh38, 1-based): chr16:2,108,484, T>C on the plus strand (A>G on the coding strand, the complement: PKD1 is on the minus strand). VCF-style: chr16-2108484-T-C. GRCh37 (hg19) VCF-style: chr16-2158485-T-C.
Other names: c.6683A>G, p.Tyr2228Cys (NM_000296.4); short protein forms Y2228C.
Identifiers: ClinVar variation 805174 (VCV000805174.5), dbSNP rs1596550613, ClinGen allele CA394373097.
Genomic context (GRCh38, chr16:2,108,484, plus strand): 5'-TTGGCCTGGATGCTCTGTGTCAGTGGCGTGTCCCCAAATGACACGACAAACACAAAGCAG[T>C]AGTGCCCCACAGGCAGCGCCAGCCGCGGCAGCACCAGCCGAGGCCGGCTCACGTCCACGC-3'
Protein context (NP_001009944.3, residues 2218-2238): LPRLALPVGH[Tyr2228Cys]CFVFVVSFGD

ClinVar aggregate classification (germline): Uncertain significance. Review status: criteria provided, multiple submitters, no conflicts (2 of 4 stars). 4 submissions from 4 submitters: Uncertain significance (3). 1 of the submissions does not count toward it. Last evaluated 2025-07-07.

Conditions:
Polycystic kidney disease, adult type (PKD1). Also called: POLYCYSTIC KIDNEY DISEASE 1 WITH OR WITHOUT POLYCYSTIC LIVER DISEASE; POLYCYSTIC KIDNEY DISEASE, ADULT, TYPE I; Polycystic Kidney, Autosomal Dominant; Polycystic Kidney Disease 1, Autosomal Dominant; Polycystic kidney disease 1; Polycystic kidney disease 1, severe. Identifiers: MedGen C3149841, MONDO:0008263, OMIM 173900.

Submissions (4):

Women's Health and Genetics/Laboratory Corporation of America, LabCorp
Classification: Uncertain significance. Last evaluated: 2025-07-07. Review status: criteria provided, single submitter. Criteria: LabCorp Variant Classification Summary - May 2015. Collection method: clinical testing. Allele origin: germline.
Comment: Variant summary: PKD1 c.6683A>G (p.Tyr2228Cys) results in a non-conservative amino acid change in the encoded protein sequence. Algorithms developed to predict the effect of missense changes on protein structure and function all suggest that this variant is likely to be disruptive. The variant was absent in 244300 control chromosomes. The available data on variant occurrences in the general population are insufficient to allow any conclusion about variant significance. c.6683A>G has been observed in two individuals affected with Autosomal Dominant Polycystic Kidney Disease 1 (Kinoshita_2016, Orisio_2023). However, this variant has also been observed in a control individual (Orisio_2023). These reports do not provide unequivocal conclusions about association of the variant with Autosomal Dominant Polycystic Kidney Disease 1. To our knowledge, no experimental evidence demonstrating an impact on protein function has been reported. The following publications have been ascertained in the context of this evaluation (PMID: 27835667, 37231942). ClinVar contains an entry for this variant (Variation ID: 805174). Based on the evidence outlined above, the variant was classified as uncertain significance.

Fulgent Genetics
Classification: Uncertain significance for Polycystic kidney disease, adult type. Last evaluated: 2021-11-18. Review status: criteria provided, single submitter. Criteria: ACMG Guidelines, 2015. Collection method: clinical testing. Allele origin: unknown.

Athena Diagnostics
Classification: Uncertain significance. Last evaluated: 2018-12-12. Review status: criteria provided, single submitter. Criteria: Athena Diagnostics Criteria. Collection method: clinical testing. Allele origin: germline.

Bioscientia Institut fuer Medizinische Diagnostik GmbH, Sonic Healthcare
Classification: Likely pathogenic for Polycystic kidney disease, adult type. Last evaluated: 2020-01-08. Review status: no assertion criteria provided. Collection method: clinical testing. Allele origin: germline. Affected: yes. Not counted in ClinVar's aggregate classification.

Literature cited by the submitters: PubMed 27835667 (cited by Women's Health and Genetics/Laboratory Corporation of America, LabCorp); PubMed 37231942 (cited by Women's Health and Genetics/Laboratory Corporation of America, LabCorp).